The following continues an entry in ClinVar:

NM_002693.3(POLG):c.3428A>G (p.Glu1143Gly)

Gene: POLG. ClinVar aggregate classification (germline): Benign. Benign (1).

Submissions 14 to 24 of 24:

GeneDx
Classification: Benign. Last evaluated: 2015-03-03. Review status: criteria provided, single submitter. Criteria: GeneDx Variant Classification Process June 2021. Collection method: clinical testing. Allele origin: germline. Affected: yes. Not counted in ClinVar's aggregate classification.
Comment: This variant is associated with the following publications: (PMID: 17980715, 21686371, 25497598, 23448099, 17088268, 22166854, 23783014, 20691285, 20981092, 21228398, 15477547, 27884173, 26104464, 26468652, 18991199, 24122062, 30255931, 25925909, 25462018, 33469851)

Eurofins Ntd Llc (ga)
Classification: Benign. Last evaluated: 2014-03-14. Review status: criteria provided, single submitter. Criteria: EGL Classification Definitions 2015. Collection method: clinical testing. Allele origin: germline. Observed: 3 variant alleles, 3 heterozygotes. Not counted in ClinVar's aggregate classification.

Breakthrough Genomics
Classification: Benign. Review status: criteria provided, single submitter. Criteria: ACMG Guidelines, 2015. Collection method: not provided. Allele origin: germline. Inheritance: Autosomal recessive inheritance. Affected: yes. Not counted in ClinVar's aggregate classification.

PreventionGenetics, part of Exact Sciences
Classification: Benign. Review status: criteria provided, single submitter. Criteria: ACMG Guidelines, 2015. Collection method: clinical testing. Allele origin: germline. Not counted in ClinVar's aggregate classification.

Mayo Clinic Laboratories, Mayo Clinic
Classification: Likely benign. Last evaluated: 2016-02-25. Review status: no assertion criteria provided. Collection method: clinical testing. Allele origin: unknown. Not counted in ClinVar's aggregate classification.

Clinical Genetics DNA and cytogenetics Diagnostics Lab, Erasmus MC, Erasmus Medical Center
Classification: Benign. Review status: no assertion criteria provided. Collection method: clinical testing. Allele origin: germline. Affected: yes. Study: VKGL Data-share Consensus. Not counted in ClinVar's aggregate classification.

Diagnostic Laboratory, Department of Genetics, University Medical Center Groningen
Classification: Likely benign. Review status: no assertion criteria provided. Collection method: clinical testing. Allele origin: germline. Affected: yes. Study: VKGL Data-share Consensus. Not counted in ClinVar's aggregate classification.

Genetic Services Laboratory, University of Chicago
Classification: Likely benign for AllHighlyPenetrant. Review status: no assertion criteria provided. Collection method: clinical testing. Allele origin: germline. Inheritance: Autosomal recessive inheritance. Not counted in ClinVar's aggregate classification.
Comment: Likely benign based on allele frequency in 1000 Genomes Project or ESP global frequency and its presence in a patient with a rare or unrelated disease phenotype. NOT Sanger confirmed.

Genome Diagnostics Laboratory, Amsterdam University Medical Center
Classification: Benign. Review status: no assertion criteria provided. Collection method: clinical testing. Allele origin: germline. Affected: yes. Study: VKGL Data-share Consensus. Not counted in ClinVar's aggregate classification.

Genome Diagnostics Laboratory, University Medical Center Utrecht
Classification: Benign. Review status: no assertion criteria provided. Collection method: clinical testing. Allele origin: germline. Affected: yes. Study: VKGL Data-share Consensus. Not counted in ClinVar's aggregate classification.

Joint Genome Diagnostic Labs from Nijmegen and Maastricht, Radboudumc and MUMC+
Classification: Likely benign. Review status: no assertion criteria provided. Collection method: clinical testing. Allele origin: germline. Affected: yes. Study: VKGL Data-share Consensus. Not counted in ClinVar's aggregate classification.

Literature cited by the submitters: PubMed 17088268 (cited by Women's Health and Genetics/Laboratory Corporation of America, LabCorp and Athena Diagnostics); PubMed 15689359 (cited by Women's Health and Genetics/Laboratory Corporation of America, LabCorp); PubMed 16621917 (cited by Women's Health and Genetics/Laboratory Corporation of America, LabCorp); PubMed 16177225 (cited by Athena Diagnostics); PubMed 17426723 (cited by Athena Diagnostics); PubMed 17438011 (cited by Athena Diagnostics); PubMed 18991199 (cited by Athena Diagnostics); PubMed 20691285 (cited by Athena Diagnostics); PubMed 21038416 (cited by Athena Diagnostics); PubMed 19010300 (cited by Athena Diagnostics); PubMed 25462018 (cited by Athena Diagnostics); PubMed 17980715 (cited by Athena Diagnostics); PubMed 17950645 (cited by Athena Diagnostics); PubMed 15477547 (cited by Athena Diagnostics); PubMed 21228398 (cited by Athena Diagnostics); PubMed 23783014 (cited by Athena Diagnostics); PubMed 26104464 (cited by Athena Diagnostics).